The following is an entry in ClinVar:

ClinVar aggregate classification (germline): Uncertain significance (1 of 4 stars; one submission).

Conditions:
Gnathodiaphyseal dysplasia (GDD). Also called: GNATHODIAPHYSEAL SCLEROSIS; OSTEOGENESIS IMPERFECTA WITH UNUSUAL SKELETAL LESIONS. Identifiers: Orphanet 53697, MedGen C1833736, MONDO:0008151, OMIM 166260.
Autosomal recessive limb-girdle muscular dystrophy type 2L (LGMDR12). Also called: Limb-girdle muscular dystrophy, type 2L; MUSCULAR DYSTROPHY, LIMB-GIRDLE, AUTOSOMAL RECESSIVE 12; Limb-Girdle Muscular Dystrophy R12 Anoctamin-5-Related (LGMD-R12). Identifiers: Orphanet 206549, MedGen C1969785, MONDO:0012652, OMIM 611307.

gnomAD v4.1: 1 of 1,612,946 alleles (0.000062%); highest among the groups gnomAD compares: Non-Finnish European, 0.000085%; no homozygotes.

Submission:

Labcorp Genetics (formerly Invitae), Labcorp
Classification: Uncertain significance for Autosomal recessive limb-girdle muscular dystrophy type 2L; Gnathodiaphyseal dysplasia. Last evaluated: 2024-11-24. Review status: criteria provided, single submitter. Criteria: Invitae Variant Classification Sherloc (09022015). Collection method: clinical testing. Allele origin: germline.
Comment: This sequence change falls in intron 11 of the ANO5 gene. It does not directly change the encoded amino acid sequence of the ANO5 protein. It affects a nucleotide within the consensus splice site. This variant is not present in population databases (gnomAD no frequency). This variant has not been reported in the literature in individuals affected with ANO5-related conditions. Variants that disrupt the consensus splice site are a relatively common cause of aberrant splicing (PMID: 17576681, 9536098). Algorithms developed to predict the effect of sequence changes on RNA splicing suggest that this variant is not likely to affect RNA splicing. In summary, the available evidence is currently insufficient to determine the role of this variant in disease. Therefore, it has been classified as a Variant of Uncertain Significance.

Literature cited by the submitters: PubMed 17576681; PubMed 9536098.

NM_213599.3(ANO5):c.1119+4T>C

Gene: ANO5 (anoctamin 5; plus strand). Cytogenetic location: 11p14.3.
Variant type: single nucleotide variant.
Coding change: c.1119+4T>C on transcript NM_213599.3 (MANE Select); 4 bases into the intron after coding-DNA position 1119, T replaced by C.
Molecular consequence: intron variant.
Genome position (GRCh38, 1-based): chr11:22,250,850, T>C. VCF-style: chr11-22250850-T-C. GRCh37 (hg19) VCF-style: chr11-22272396-T-C.
Other names: c.1077+4T>C (NM_001410963.1); c.1116+4T>C (NM_001142649.2); c.1074+4T>C (NM_001410964.1).
Identifiers: ClinVar variation 3748619 (VCV003748619.2).